The following is an entry in ClinVar:

ClinVar aggregate classification (germline): Likely benign (1 of 4 stars; one submission).

Submission:

CeGaT Center for Human Genetics Tuebingen
Classification: Likely benign. Last evaluated: 2022-06-01. Review status: criteria provided, single submitter. Criteria: CeGaT Center For Human Genetics Tuebingen Variant Classification Criteria Version 2. Collection method: clinical testing. Allele origin: germline. Affected: yes. Observed: 1 variant allele.
Comment: CARMIL2: BP4

NM_001013838.3(CARMIL2):c.93C>T (p.Thr31=)

Gene: CARMIL2 (capping protein regulator and myosin 1 linker 2; plus strand). Cytogenetic location: 16q22.1.
Variant type: single nucleotide variant.
Coding change: c.93C>T on transcript NM_001013838.3 (MANE Select); coding-DNA position 93, C replaced by T.
Protein change: p.Thr31=; no amino-acid change (threonine 31 retained).
Molecular consequence: synonymous variant.
Genome position (GRCh38, 1-based): chr16:67,645,592, C>T. VCF-style: chr16-67645592-C-T. GRCh37 (hg19) VCF-style: chr16-67679495-C-T.
Other names: c.93C>T, p.Thr31= (NM_001317026.3).
Identifiers: ClinVar variation 1694800 (VCV001694800.31), dbSNP rs1307906728, ClinGen allele CA495996460.